The following is an entry in ClinVar:

ClinVar aggregate classification (germline): Conflicting classifications of pathogenicity. Review status: criteria provided, conflicting classifications (1 of 4 stars). 2 submissions from 2 submitters: Uncertain significance (1); Benign (1). Last evaluated 2025-06-04.

Conditions:
Amyotrophic lateral sclerosis type 4 (ALS4). Also called: AMYOTROPHIC LATERAL SCLEROSIS 4, JUVENILE; NEURONOPATHY, DISTAL HEREDITARY MOTOR, WITH PYRAMIDAL FEATURES. Identifiers: Orphanet 357043, MedGen C1865409, MONDO:0011223, OMIM 602433.
Spinocerebellar ataxia, autosomal recessive, with axonal neuropathy 2 (SCAN2). Also called: ATAXIA-OCULOMOTOR APRAXIA 2; Ataxia with Oculomotor Apraxia Type 2; Ataxia-ocular apraxia-2; Ataxia with Oculomotor Apraxia. Identifiers: Orphanet 64753, MedGen C1853761, MONDO:0018996, OMIM 606002.
SETX-related disorder. Also called: SETX-related condition; SETX-related disorders. Identifiers: MedGen CN239403.

gnomAD v4.1: 11 of 1,613,752 alleles (0.00068%); highest among the groups gnomAD compares: South Asian, 0.0011%; no homozygotes.

Submissions (2):

Labcorp Genetics (formerly Invitae), Labcorp
Classification: Benign for Amyotrophic lateral sclerosis type 4; Spinocerebellar ataxia, autosomal recessive, with axonal neuropathy 2. Last evaluated: 2025-06-04. Review status: criteria provided, single submitter. Criteria: Invitae Variant Classification Sherloc (09022015). Collection method: clinical testing. Allele origin: germline.

PreventionGenetics, part of Exact Sciences
Classification: Uncertain significance for SETX-related condition. Last evaluated: 2023-05-02. Review status: criteria provided, single submitter. Criteria: ACMG Guidelines, 2015. Collection method: clinical testing. Allele origin: germline.
Comment: The SETX c.2282C>G variant is predicted to result in the amino acid substitution p.Ser761Trp. To our knowledge, this variant has not been reported in the literature. This variant is reported in 0.0033% of alleles in individuals of South Asian descent in gnomAD. At this time, the clinical significance of this variant is uncertain due to the absence of conclusive functional and genetic evidence.

NM_015046.7(SETX):c.2282C>G (p.Ser761Trp)

Gene: SETX (senataxin; minus strand). Cytogenetic location: 9q34.13.
Variant type: single nucleotide variant.
Coding change: c.2282C>G on transcript NM_015046.7 (MANE Select); coding-DNA position 2282, C replaced by G.
Protein change: p.Ser761Trp; replaces serine 761 with tryptophan.
Molecular consequence: missense variant.
Genome position (GRCh38, 1-based): chr9:132,329,316, G>C on the plus strand (C>G on the coding strand, the complement: SETX is on the minus strand). VCF-style: chr9-132329316-G-C. GRCh37 (hg19) VCF-style: chr9-135204703-G-C.
Other names: c.2282C>G, p.Ser761Trp (NM_001351527.2, NM_001351528.2); short protein forms S761W.
Identifiers: ClinVar variation 2629372 (VCV002629372.2), dbSNP rs200153024, ClinGen allele CA5297630.